The following is an entry in ClinVar:

NM_000092.5(COL4A4):c.5044C>T (p.Arg1682Trp)

Gene: COL4A4 (collagen type IV alpha 4 chain; minus strand). Cytogenetic location: 2q36.3.
Variant type: single nucleotide variant.
Coding change: c.5044C>T on transcript NM_000092.5 (MANE Select); coding-DNA position 5044, C replaced by T.
Protein change: p.Arg1682Trp; replaces arginine 1682 with tryptophan.
Molecular consequence: missense variant.
Genome position (GRCh38, 1-based): chr2:227,007,354, G>A on the plus strand (C>T on the coding strand, the complement: COL4A4 is on the minus strand). VCF-style: chr2-227007354-G-A. GRCh37 (hg19) VCF-style: chr2-227872070-G-A.
Other names: p.(Arg1682Trp); short protein forms R1682W.
Identifiers: ClinVar variation 552827 (VCV000552827.14), dbSNP rs766550724, ClinGen allele CA2143993.

ClinVar aggregate classification (germline): Conflicting classifications of pathogenicity. Review status: criteria provided, conflicting classifications (1 of 4 stars). 9 submissions from 9 submitters: Pathogenic (1); Likely pathogenic (2); Uncertain significance (4). 2 of the submissions do not count toward it. Last evaluated 2026-05-27.

Conditions:
Hematuria, benign familial, 1 (BFH1). Also called: THIN MEMBRANE NEPHROPATHY. Identifiers: MedGen CN376803, MONDO:0007709, OMIM 141200.
Autosomal recessive Alport syndrome (ATS2). Also called: COL4A4 Alport Syndrome and Thin Basement Membrane Nephropathy; ALPORT SYNDROME 2, AUTOSOMAL RECESSIVE; COL4A3-Related Nephropathy; Alport syndrome type 2. Identifiers: Orphanet 63, Orphanet 88919, MedGen C4746745, MONDO:0008762, OMIM 203780.
Autosomal dominant Alport syndrome (ATS3A). Also called: Alport syndrome dominant type; Renal failure and sensorineural hearing loss; ALPORT SYNDROME 3A, AUTOSOMAL DOMINANT. Identifiers: Orphanet 63, Orphanet 88918, MedGen C5882663, MONDO:0007086, OMIM 104200.

Allele frequency attached by ClinVar (database versions not stated): TOPMed below 0.00001; ExAC 0.00001; gnomAD 0.00001; gnomAD exomes 0.00001.
gnomAD v4.1: 21 of 1,614,124 alleles (0.0013%); highest among the groups gnomAD compares: Admixed American, 0.0017%; no homozygotes.

Submissions (9):

Centre de Génétique Humaine, Institut de Pathologie Et de Génétique
Classification: Likely pathogenic for Hematuria, benign familial, 1. Last evaluated: 2026-05-27. Review status: criteria provided, single submitter. Criteria: ACMG Guidelines, 2015. Collection method: clinical testing. Allele origin: maternal. Inheritance: Autosomal dominant inheritance. Affected: yes. Observed: 1 variant allele, 1 heterozygote. Segregation with disease observed.
Comment: This missense variant involves a highly conserved arginine located in the carboxy NC, close of a cysteine, which is critical for collagen chain trimerization (PP2). This variant is rare: allelic frequency of 0.0013% in gnomAD v4.1.0 database (PM2). Another missense variant affecting the same residue described as LP : c.5045G>A, p.Arg1682Gln, PMID: 40004525; PMID: 40806767 (PM5) In silico analysis supports that this missense variant has a deleterious effect (PP3). Described as LP in the scientific litterature In AD/AR AS patients (PP5)

Labcorp Genetics (formerly Invitae), Labcorp
Classification: Pathogenic. Last evaluated: 2025-12-01. Review status: criteria provided, single submitter. Criteria: Invitae Variant Classification Sherloc (09022015). Collection method: clinical testing. Allele origin: germline.
Comment: This sequence change replaces arginine, which is basic and polar, with tryptophan, which is neutral and slightly polar, at codon 1682 of the COL4A4 protein (p.Arg1682Trp). This variant is present in population databases (rs766550724, gnomAD 0.003%). This missense change has been observed in individual(s) with Alport syndrome and/or Alport syndrome and/or clinical features of COL4A4-related conditions (PMID: 21897443, 36130833, 37078890, 38978054; internal data). In at least one individual the data is consistent with being in trans (on the opposite chromosome) from a pathogenic variant. ClinVar contains an entry for this variant (Variation ID: 552827). Invitae Evidence Modeling of protein sequence and biophysical properties (such as structural, functional, and spatial information, amino acid conservation, physicochemical variation, residue mobility, and thermodynamic stability) has been performed for this missense variant. However, the output from this modeling did not meet the statistical confidence thresholds required to predict the impact of this variant on COL4A4 protein function. This variant disrupts the p.Arg1682 amino acid residue in COL4A4. Other variant(s) that disrupt this residue have been determined to be pathogenic (PMID: 17216251, 26809805, 27859054). This suggests that this residue is clinically significant, and that variants that disrupt this residue are likely to be disease-causing. For these reasons, this variant has been classified as Pathogenic.

Genomic Medicine Center of Excellence, King Faisal Specialist Hospital and Research Centre
Classification: Uncertain significance for Autosomal recessive Alport syndrome. Last evaluated: 2024-09-22. Review status: criteria provided, single submitter. Criteria: ACMG Guidelines, 2015. Collection method: clinical testing. Allele origin: germline.

ARUP Laboratories, Molecular Genetics and Genomics, ARUP Laboratories
Classification: Uncertain significance. Last evaluated: 2024-07-16. Review status: criteria provided, single submitter. Criteria: ARUP Molecular Germline Variant Investigation Process 2024. Collection method: clinical testing. Allele origin: germline.
Comment: The COL4A4 c.5044C>T; p.Arg1682Trp variant (rs766550724, ClinVar Variation ID: 552827) is reported in the literature in multiple individuals affected with symptoms of Alport syndrome or familial benign hematuria, though additional evidence of causality was not provided (Artuso 2012, Yuan 2023, Topak 2024). This variant is only observed on three alleles in the Genome Aggregation Database (v2.1.1), indicating it is not a common polymorphism. Computational analyses predict that this variant is deleterious (REVEL: 0.920). Due to limited information, the clinical significance of this variant is uncertain at this time. References: Artuso R et al. Advances in Alport syndrome diagnosis using next-generation sequencing. Eur J Hum Genet. 2012 Jan;20(1):50-7PMID: 21897443 Yuan X et al. Genetic Variants of the COL4A3 , COL4A4 , and COL4A5 Genes Contribute to Thinned Glomerular Basement Membrane Lesions in Sporadic IgA Nephropathy Patients. J Am Soc Nephrol. 2023 Jan 1;34(1):132-144. PMID: 36130833. Topak A. Molecular diagnostic results of a nephropathy gene panel in patients with suspected hereditary kidney disease. Lab Med. 2024 Jan 6;55(1):13-19. PMID: 37078890. Savige J et al. Consensus statement on standards and guidelines for the molecular diagnostics of Alport syndrome: refining the ACMG criteria. Eur J Hum Genet. 2021 Aug;29(8):1186-1197. PMID: 33854215. Uliana V et al. Deciphering the pathogenesis of the COL4-related hematuric nephritis: A genotype/phenotype study. Mol Genet Genomic Med. 2021 Feb;9(2):e1576. PMID: 33369211. Gene Statement: Pathogenic COL4A4 variants are associated with autosomal dominant familial benign hematuria (MIM: 141200) and autosomal recessive Alport syndrome 2 (MIM: 203780). Autosomal dominant COL4A4-related conditions are clinically variable and can range from isolated non-progressive hematuria to a slowly progressive disorder with renal insufficiency and sensorineural hearing loss (SNHL) developing later in life. Autosomal recessive COL4A3-related Alport syndrome, caused by biallelic pathogenic variants, is typically more severe and characterized by an earlier age of onset of both SNHL and renal failure (Uliana 2021 and Savige 2021).

Fulgent Genetics
Classification: Likely pathogenic for Hematuria, benign familial, 1; Autosomal recessive Alport syndrome. Last evaluated: 2024-06-19. Review status: criteria provided, single submitter. Criteria: ACMG Guidelines, 2015. Collection method: clinical testing. Allele origin: germline.

Blueprint Genetics
Classification: Uncertain significance. Last evaluated: 2023-11-23. Review status: criteria provided, single submitter. Criteria: ACMG Guidelines, 2015. Collection method: clinical testing. Allele origin: germline.

GeneDx
Classification: Uncertain significance. Last evaluated: 2023-10-30. Review status: criteria provided, single submitter. Criteria: GeneDx Variant Classification Process June 2021. Collection method: clinical testing. Allele origin: germline. Affected: yes.
Comment: In silico analysis supports that this missense variant has a deleterious effect on protein structure/function; Not observed at significant frequency in large population cohorts (gnomAD); This variant is associated with the following publications: (PMID: 21897443)

Bioscientia Institut fuer Medizinische Diagnostik GmbH, Sonic Healthcare
Classification: Likely pathogenic for Autosomal dominant Alport syndrome. Last evaluated: 2018-07-12. Review status: no assertion criteria provided. Collection method: clinical testing. Allele origin: germline. Affected: yes. Not counted in ClinVar's aggregate classification.

Counsyl
Classification: Uncertain significance for Autosomal recessive Alport syndrome. Last evaluated: 2017-07-20. Review status: no assertion criteria provided. Collection method: clinical testing. Allele origin: unknown. Not counted in ClinVar's aggregate classification.

Literature cited by the submitters: PubMed 21897443 (cited by 3 submitters); PubMed 36130833 (cited by Centre de Génétique Humaine, Institut de Pathologie Et de Génétique and Labcorp Genetics (formerly Invitae), Labcorp); PubMed 37078890 (cited by Centre de Génétique Humaine, Institut de Pathologie Et de Génétique and Labcorp Genetics (formerly Invitae), Labcorp); PubMed 38972501 (cited by Centre de Génétique Humaine, Institut de Pathologie Et de Génétique); PubMed 38978054 (cited by Labcorp Genetics (formerly Invitae), Labcorp); PubMed 17216251 (cited by Labcorp Genetics (formerly Invitae), Labcorp); PubMed 26809805 (cited by Labcorp Genetics (formerly Invitae), Labcorp); PubMed 27859054 (cited by Labcorp Genetics (formerly Invitae), Labcorp).